The following is an entry in ClinVar:

ClinVar aggregate classification (germline): Pathogenic (1 of 4 stars; one submission).

Conditions:
Duchenne muscular dystrophy (DMD). Also called: MUSCULAR DYSTROPHY, PSEUDOHYPERTROPHIC PROGRESSIVE, DUCHENNE TYPE; Duchenne Muscular Dystrophy (DMD). Identifiers: Orphanet 98896, MedGen C0013264, MONDO:0010679, OMIM 310200.

Submission:

Labcorp Genetics (formerly Invitae), Labcorp
Classification: Pathogenic for Duchenne muscular dystrophy. Last evaluated: 2018-09-11. Review status: criteria provided, single submitter. Criteria: Invitae Variant Classification Sherloc (09022015). Collection method: clinical testing. Allele origin: unknown.
Comment: Loss-of-function variants in DMD are known to be pathogenic (PMID: 16770791, 25007885). For these reasons, this variant has been classified as Pathogenic. Disruption of the exon 11 splice donor site has been observed in several individuals affected with DMD-related muscular dystrophy (PMID:¬†17041906, 17259292,¬†19959795). This variant is a gross deletion of the genomic region encompassing part of exon 11 (c.1307_1332-7556del) of the DMD gene. It is expected to disrupt RNA splicing and likely results in an absent or disrupted protein product.

Literature cited by the submitters: PubMed 16770791; PubMed 25007885.

NC_000023.10:g.(?_32640126)_(32662273_?)del

Gene: DMD (dystrophin; minus strand). Cytogenetic location: Xp21.1.
Variant type: Deletion.
Identifiers: ClinVar variation 3243449 (VCV003243449.1).